The following is an entry in ClinVar:

NM_000548.5(TSC2):c.600-1G>A

Gene: TSC2 (TSC complex subunit 2; plus strand). Cytogenetic location: 16p13.3.
Variant type: single nucleotide variant.
Coding change: c.600-1G>A on transcript NM_000548.5 (MANE Select); the canonical splice acceptor site of the intron before coding-DNA position 600, G replaced by A.
Molecular consequence: splice acceptor variant. On other transcripts: 5 prime UTR variant (4).
Genome position (GRCh38, 1-based): chr16:2,056,195, G>A. VCF-style: chr16-2056195-G-A. GRCh37 (hg19) VCF-style: chr16-2106196-G-A.
Other names: c.-2G>A (NM_001406680.1, NM_001406683.1, NM_001406687.1); c.-833G>A (NM_001406693.1); c.690-1G>A (NM_001406667.1, NM_001406668.1); c.-832-1G>A (NM_001406689.1, NM_001406690.1, NM_001406692.1 and 2 more transcripts); c.-1008-1G>A (NM_001406698.1); c.600-1G>A (NM_001114382.3, NM_001406663.1, NM_001406664.1 and 8 more transcripts); c.-713-1G>A (NM_001406694.1, NM_001406695.1); c.-820-1G>A (NM_001406696.1); and 6 more.
Identifiers: ClinVar variation 49902 (VCV000049902.9), dbSNP rs45517117, ClinGen allele CA022665.

ClinVar aggregate classification (germline): Pathogenic. Review status: criteria provided, single submitter (1 of 4 stars). 2 submissions from 2 submitters: Pathogenic (1). 1 of the submissions does not count toward it. Last evaluated 2020-03-23.

Conditions:
Tuberous sclerosis 2 (TSC2). Identifiers: Orphanet 805, MedGen C1860707, MONDO:0013199, OMIM 613254.
Tuberous sclerosis syndrome (TSC). Also called: Tuberous Sclerosis Complex; Tuberous sclerosis. Identifiers: Orphanet 805, MedGen C0041341, MONDO:0001734.

Submissions (2):

Labcorp Genetics (formerly Invitae), Labcorp
Classification: Pathogenic for Tuberous sclerosis 2. Last evaluated: 2020-03-23. Review status: criteria provided, single submitter. Criteria: Invitae Variant Classification Sherloc (09022015). Collection method: clinical testing. Allele origin: germline.
Comment: This variant has been observed in individuals affected with tuberous sclerosis complex (PMID: 10533067, 12015165). ClinVar contains an entry for this variant (Variation ID: 49902). For these reasons, this variant has been classified as Pathogenic. Donor and acceptor splice site variants typically lead to a loss of protein function (PMID: 16199547), and loss-of-function variants in TSC2 are known to be pathogenic (PMID: 10205261, 17304050). This variant is not present in population databases (ExAC no frequency). This sequence change affects an acceptor splice site in intron 6 of the TSC2 gene. It is expected to disrupt RNA splicing and likely results in an absent or disrupted protein product.

Tuberous sclerosis database (TSC2)
No classification provided. Condition: TSC. Review status: no classification provided. Criteria: Tuberous Sclerosis Database Assertion Criteria 2015. Collection method: curation. Allele origin: germline. Affected: yes. Not counted in ClinVar's aggregate classification.

Literature cited by the submitters: PubMed 10533067 (cited by Labcorp Genetics (formerly Invitae), Labcorp); PubMed 12015165 (cited by Labcorp Genetics (formerly Invitae), Labcorp); PubMed 16199547 (cited by Labcorp Genetics (formerly Invitae), Labcorp); PubMed 10205261 (cited by Labcorp Genetics (formerly Invitae), Labcorp); PubMed 17304050 (cited by Labcorp Genetics (formerly Invitae), Labcorp).